The following is an entry in ClinVar:

NM_004260.4(RECQL4):c.1390+12_1390+13delinsAA

Gene: RECQL4 (RecQ like helicase 4; minus strand). Cytogenetic location: 8q24.3.
Variant type: Indel.
Coding change: c.1390+12_1390+13delinsAA on transcript NM_004260.4 (MANE Select); bases 12 to 13 of the intron after coding-DNA position 1390, GC replaced by AA.
Molecular consequence: intron variant.
Genome position (GRCh38, 1-based): chr8:144,515,313-144,515,314, GC replaced by TT on the plus strand (GC replaced by AA on the coding strand, the reverse complement: RECQL4 is on the minus strand). VCF-style: chr8-144515313-GC-TT. GRCh37 (hg19) VCF-style: chr8-145740697-GC-TT.
Other names: c.1261+12_1261+13delinsAA (NM_001413025.1); c.1039+12_1039+13delinsAA (NM_001413029.1); c.253+12_253+13delinsAA (NM_001413032.1, NM_001413027.1, NM_001413031.1 and 2 more transcripts); c.319+12_319+13delinsAA (NM_001413035.1, NM_001413040.1, NM_001413021.1 and 8 more transcripts); c.1294+12_1294+13delinsAA (NM_001413017.1, NM_001413020.1); c.1390+12_1390+13delinsAA (NM_001413039.1, NM_001413033.1, NM_001413018.1 and 2 more transcripts); c.-78+12_-78+13delinsAA (NM_001413043.1).
Identifiers: ClinVar variation 2851955 (VCV002851955.3), dbSNP rs2538062256, ClinGen allele CA2739269082.

ClinVar aggregate classification (germline): Uncertain significance (1 of 4 stars; one submission).

Conditions:
Baller-Gerold syndrome (BGS). Also called: CRANIOSYNOSTOSIS WITH RADIAL DEFECTS. Identifiers: Orphanet 1225, MedGen C0265308, MONDO:0009039, OMIM 218600.

Submission:

Labcorp Genetics (formerly Invitae), Labcorp
Classification: Uncertain significance for Baller-Gerold syndrome. Last evaluated: 2025-04-07. Review status: criteria provided, single submitter. Criteria: Invitae Variant Classification Sherloc (09022015). Collection method: clinical testing. Allele origin: germline.
Comment: This sequence change falls in intron 7 of the RECQL4 gene. It does not directly change the encoded amino acid sequence of the RECQL4 protein. Information on the frequency of this variant in the gnomAD database is not available, as this variant may be reported differently in the database. This variant has not been reported in the literature in individuals affected with RECQL4-related conditions. ClinVar contains an entry for this variant (Variation ID: 2851955). Experimental studies and prediction algorithms are not available or were not evaluated, and the effect of this variant on mRNA splicing is currently unknown. In summary, the available evidence is currently insufficient to determine the role of this variant in disease. Therefore, it has been classified as a Variant of Uncertain Significance.